The following is an entry in ClinVar:

ClinVar aggregate classification (germline): Likely pathogenic (1 of 4 stars; one submission).

Conditions:
Dilated cardiomyopathy 1G (CMD1G). Identifiers: Orphanet 154, MedGen C1858763, MONDO:0011400, OMIM 604145.
Hypertrophic cardiomyopathy 9. Also called: Familial hypertrophic cardiomyopathy 9. Identifiers: MedGen C1861065, MONDO:0013412, OMIM 613765.
Early-onset myopathy with fatal cardiomyopathy (CMYO5). Also called: Salih Myopathy; CONGENITAL MYOPATHY 5 WITH CARDIOMYOPATHY. Identifiers: Orphanet 289377, MedGen C2673677, MONDO:0012714, OMIM 611705. Disease mechanism: loss of function.
Tibial muscular dystrophy (TMD). Also called: Tibial muscular dystrophy, tardive; Udd Distal Myopathy – Tibial Muscular Dystrophy; UDD MYOPATHY. Identifiers: Orphanet 609, MedGen C1838244, MONDO:0010870, OMIM 600334.
Autosomal recessive limb-girdle muscular dystrophy type 2J (LGMDR10). Also called: MUSCULAR DYSTROPHY, LIMB-GIRDLE, AUTOSOMAL RECESSIVE 10; Limb-girdle muscular dystrophy, type 2J. Identifiers: Orphanet 140922, MedGen C1837342, MONDO:0012127, OMIM 608807.
Myopathy, myofibrillar, 9, with early respiratory failure (MFM9). Also called: EDSTROM MYOPATHY; Myopathy, distal, with early respiratory failure, autosomal dominant; Hereditary myopathy with early respiratory failure; MYOPATHY, PROXIMAL, WITH EARLY RESPIRATORY MUSCLE INVOLVEMENT. Identifiers: Orphanet 178464, Orphanet 34521, MedGen C1863599, MONDO:0011362, OMIM 603689.

gnomAD v4.1: 9 of 1,613,820 alleles (0.00056%); highest among the groups gnomAD compares: East Asian, 0.018%; no homozygotes.

Submission:

Juno Genomics, Hangzhou Juno Genomics, Inc
Classification: Likely pathogenic for Early-onset myopathy with fatal cardiomyopathy; Dilated cardiomyopathy 1G; Hypertrophic cardiomyopathy 9; Autosomal recessive limb-girdle muscular dystrophy type 2J; Myopathy, myofibrillar, 9, with early respiratory failure; Tibial muscular dystrophy. Review status: criteria provided, single submitter. Criteria: ACMG Guidelines, 2015. Collection method: clinical testing. Allele origin: germline.
Comment: Null variant in a gene where loss of function (LOF) is a known mechanism of disease.;Absent from controls (or at extremely low frequency if recessive) in Genome Aggregation Database.

NM_001267550.2(TTN):c.10819G>T (p.Glu3607Ter)

Gene: TTN (titin; minus strand). Cytogenetic location: 2q31.2.
Variant type: single nucleotide variant.
Coding change: c.10819G>T on transcript NM_001267550.2 (MANE Select); coding-DNA position 10819, G replaced by T.
Protein change: p.Glu3607Ter; replaces glutamic acid 3607 with a stop codon.
Molecular consequence: nonsense. On other transcripts: intron variant (5).
Genome position (GRCh38, 1-based): chr2:178,756,657, C>A on the plus strand (G>T on the coding strand, the complement: TTN is on the minus strand). VCF-style: chr2-178756657-C-A. GRCh37 (hg19) VCF-style: chr2-179621384-C-A.
Other names: c.10306G>T, p.Glu3436Ter (NM_133437.4); c.10165+2327G>T (NM_003319.4); c.10540+885G>T (NM_133432.3); c.10303+2327G>T (NM_133378.4, NM_001256850.1, NM_133379.5); short protein forms E3436*, E3607*.
Identifiers: ClinVar variation 3382654 (VCV003382654.3).